The following is an entry in ClinVar:

ClinVar aggregate classification (germline): Conflicting classifications of pathogenicity. Review status: criteria provided, conflicting classifications (1 of 4 stars). 2 submissions from 2 submitters: Uncertain significance (1); Likely benign (1). Last evaluated 2025-02-26.

Conditions:
Acute myeloid leukemia (AML). Also called: Acute myeloid leukemia, adult; AML adult; Acute non-lymphocytic leukemia; Acute granulocytic leukemia; Leukemia, acute myeloid, somatic; Leukemia, acute myelogenous, somatic. Identifiers: Orphanet 519, MedGen C0023467, MeSH D015470, MONDO:0018874, OMIM 601626, HP:0004808. Disease mechanism: Constitutively activated FLT3.
Inborn genetic diseases. Identifiers: MedGen C0950123, MeSH D030342.

Allele frequency attached by ClinVar (database versions not stated): gnomAD exomes below 0.00001; gnomAD 0.00001; TOPMed 0.00002.

Submissions (2):

Ambry Genetics
Classification: Likely benign for Inborn genetic diseases. Last evaluated: 2025-02-26. Review status: criteria provided, single submitter. Criteria: Ambry Variant Classification Scheme 2023. Collection method: clinical testing. Allele origin: germline.

Labcorp Genetics (formerly Invitae), Labcorp
Classification: Uncertain significance for Acute myeloid leukemia. Last evaluated: 2023-12-22. Review status: criteria provided, single submitter. Criteria: Invitae Variant Classification Sherloc (09022015). Collection method: clinical testing. Allele origin: germline.
Comment: This sequence change replaces alanine, which is neutral and non-polar, with serine, which is neutral and polar, at codon 111 of the CEBPA protein (p.Ala111Ser). This variant is not present in population databases (gnomAD no frequency). This variant has not been reported in the literature in individuals affected with CEBPA-related conditions. ClinVar contains an entry for this variant (Variation ID: 852158). Advanced modeling of protein sequence and biophysical properties (such as structural, functional, and spatial information, amino acid conservation, physicochemical variation, residue mobility, and thermodynamic stability) performed at Invitae indicates that this missense variant is not expected to disrupt CEBPA protein function with a negative predictive value of 80%. In summary, the available evidence is currently insufficient to determine the role of this variant in disease. Therefore, it has been classified as a Variant of Uncertain Significance.

NM_004364.5(CEBPA):c.331G>T (p.Ala111Ser)

Gene: CEBPA (CCAAT enhancer binding protein alpha; minus strand). Cytogenetic location: 19q13.11.
Variant type: single nucleotide variant.
Coding change: c.331G>T on transcript NM_004364.5 (MANE Select); coding-DNA position 331, G replaced by T.
Protein change: p.Ala111Ser; replaces alanine 111 with serine.
Molecular consequence: missense variant. On other transcripts: 5 prime UTR variant (1).
Genome position (GRCh38, 1-based): chr19:33,302,084, C>A on the plus strand (G>T on the coding strand, the complement: CEBPA is on the minus strand). VCF-style: chr19-33302084-C-A. GRCh37 (hg19) VCF-style: chr19-33792990-C-A.
Other names: c.-27G>T (NM_001285829.2); c.436G>T, p.Ala146Ser (NM_001287424.2); c.289G>T, p.Ala97Ser (NM_001287435.2); c.331G>T (NM_004364.3); short protein forms A111S, A97S, A146S.
Identifiers: ClinVar variation 852158 (VCV000852158.11), dbSNP rs996591962, ClinGen allele CA307844356.